The following is an entry in ClinVar:

ClinVar aggregate classification (germline): Uncertain significance (1 of 4 stars; one submission).

Submission:

Labcorp Genetics (formerly Invitae), Labcorp
Classification: Uncertain significance. Last evaluated: 2023-08-04. Review status: criteria provided, single submitter. Criteria: Invitae Variant Classification Sherloc (09022015). Collection method: clinical testing. Allele origin: germline.
Comment: This sequence change replaces proline, which is neutral and non-polar, with arginine, which is basic and polar, at codon 36 of the AAAS protein (p.Pro36Arg). This variant is not present in population databases (gnomAD no frequency). This variant has not been reported in the literature in individuals affected with AAAS-related conditions. ClinVar contains an entry for this variant (Variation ID: 2011102). An algorithm developed to predict the effect of missense changes on protein structure and function (PolyPhen-2) suggests that this variant is likely to be tolerated. In summary, the available evidence is currently insufficient to determine the role of this variant in disease. Therefore, it has been classified as a Variant of Uncertain Significance.

NM_015665.6(AAAS):c.107C>G (p.Pro36Arg)

Gene: AAAS (aladin WD repeat nucleoporin; minus strand). Cytogenetic location: 12q13.13.
Variant type: single nucleotide variant.
Coding change: c.107C>G on transcript NM_015665.6 (MANE Select); coding-DNA position 107, C replaced by G.
Protein change: p.Pro36Arg; replaces proline 36 with arginine.
Molecular consequence: missense variant.
Genome position (GRCh38, 1-based): chr12:53,321,359, G>C on the plus strand (C>G on the coding strand, the complement: AAAS is on the minus strand). VCF-style: chr12-53321359-G-C. GRCh37 (hg19) VCF-style: chr12-53715143-G-C.
Other names: c.107C>G, p.Pro36Arg (NM_001173466.2); short protein forms P36R.
Identifiers: ClinVar variation 2011102 (VCV002011102.4), dbSNP rs1021717925, ClinGen allele CA385047113.